The following is an entry in ClinVar:

ClinVar aggregate classification (germline): Benign. Review status: criteria provided, multiple submitters, no conflicts (2 of 4 stars). 3 submissions from 3 submitters: Benign (2). 1 of the submissions does not count toward it. Last evaluated 2019-12-31.

Conditions:
RECQL5-related disorder. Also called: RECQL5-related condition.

Allele frequency attached by ClinVar (database versions not stated): gnomAD exomes 0.00075 and 0.00180; ExAC 0.00217; 1000 Genomes Project 0.00619; ESP Exome Variant Server 0.00700; gnomAD 0.00743 and 0.00801; 1000 Genomes Project 30x 0.00765; TOPMed 0.00835.
gnomAD v4.1: 2,244 of 1,610,048 alleles (0.14%); highest among the groups gnomAD compares: African/African-American, 2.7%; 32 homozygotes.

Submissions (3):

Labcorp Genetics (formerly Invitae), Labcorp
Classification: Benign. Last evaluated: 2019-12-31. Review status: criteria provided, single submitter. Criteria: Invitae Variant Classification Sherloc (09022015). Collection method: clinical testing. Allele origin: germline.

Breakthrough Genomics
Classification: Benign. Review status: criteria provided, single submitter. Criteria: ACMG Guidelines, 2015. Collection method: not provided. Allele origin: germline. Inheritance: Unknown mechanism. Affected: yes.

PreventionGenetics, part of Exact Sciences
Classification: Benign for RECQL5-related condition. Last evaluated: 2019-11-25. Review status: no assertion criteria provided. Collection method: clinical testing. Allele origin: germline. Not counted in ClinVar's aggregate classification.
Comment: This variant is classified as benign based on ACMG/AMP sequence variant interpretation guidelines (Richards et al. 2015 PMID: 25741868, with internal and published modifications).

NM_004259.7(RECQL5):c.279A>G (p.Leu93=)

Gene: RECQL5 (RecQ like helicase 5; minus strand). Cytogenetic location: 17q25.1.
Variant type: single nucleotide variant.
Coding change: c.279A>G on transcript NM_004259.7 (MANE Select); coding-DNA position 279, A replaced by G.
Protein change: p.Leu93=; no amino-acid change (leucine 93 retained).
Molecular consequence: synonymous variant.
Genome position (GRCh38, 1-based): chr17:75,662,971, T>C on the plus strand (A>G on the coding strand, the complement: RECQL5 is on the minus strand). VCF-style: chr17-75662971-T-C. GRCh37 (hg19) VCF-style: chr17-73659051-T-C.
Other names: c.279A>G, p.Leu93= (NM_001003715.4, NM_001003716.4).
Identifiers: ClinVar variation 708609 (VCV000708609.7), dbSNP rs78206434, ClinGen allele CA8767968.